The following is an entry in ClinVar:

NM_001039141.3(TRIOBP):c.6769C>G (p.Gln2257Glu)

Gene: TRIOBP (TRIO and F-actin binding protein; plus strand). Cytogenetic location: 22q13.1.
Variant type: single nucleotide variant.
Coding change: c.6769C>G on transcript NM_001039141.3 (MANE Select); coding-DNA position 6769, C replaced by G.
Protein change: p.Gln2257Glu; replaces glutamine 2257 with glutamic acid.
Molecular consequence: missense variant.
Genome position (GRCh38, 1-based): chr22:37,769,295, C>G. VCF-style: chr22-37769295-C-G. GRCh37 (hg19) VCF-style: chr22-38165302-C-G.
Other names: c.1630C>G, p.Gln544Glu (NM_007032.5); short protein forms Q544E, Q2257E.
Identifiers: ClinVar variation 4738353 (VCV004738353.1).

ClinVar aggregate classification (germline): Uncertain significance (1 of 4 stars; one submission).

gnomAD v4.1: 11 of 1,612,076 alleles (0.00068%); highest among the groups gnomAD compares: Admixed American, 0.013%; 1 homozygote.

Submission:

Labcorp Genetics (formerly Invitae), Labcorp
Classification: Uncertain significance. Last evaluated: 2025-03-14. Review status: criteria provided, single submitter. Criteria: Invitae Variant Classification Sherloc (09022015). Collection method: clinical testing. Allele origin: germline.
Comment: This sequence change replaces glutamine, which is neutral and polar, with glutamic acid, which is acidic and polar, at codon 2257 of the TRIOBP protein (p.Gln2257Glu). This variant is present in population databases (rs184255080, gnomAD 0.01%). This missense change has been observed in individual(s) with bilateral sensorineural hearing loss (internal data). An algorithm developed to predict the effect of missense changes on protein structure and function (PolyPhen-2) suggests that this variant is likely to be tolerated. In summary, the available evidence is currently insufficient to determine the role of this variant in disease. Therefore, it has been classified as a Variant of Uncertain Significance.